The following is an entry in ClinVar:

NM_022124.6(CDH23):c.1141-3C>T

Gene: CDH23 (cadherin related 23; plus strand). Cytogenetic location: 10q22.1.
Variant type: single nucleotide variant.
Coding change: c.1141-3C>T on transcript NM_022124.6 (MANE Select); 3 bases into the intron before coding-DNA position 1141, C replaced by T.
Molecular consequence: intron variant.
Genome position (GRCh38, 1-based): chr10:71,645,828, C>T. VCF-style: chr10-71645828-C-T. GRCh37 (hg19) VCF-style: chr10-73405585-C-T.
Other names: c.1141-3C>T (NM_001171930.2, NM_001171931.2, NM_052836.4).
Identifiers: ClinVar variation 991906 (VCV000991906.3), dbSNP rs1862820418, ClinGen allele CA377127363.

ClinVar aggregate classification (germline): Uncertain significance. Review status: criteria provided, single submitter (1 of 4 stars). 2 submissions from 2 submitters: Uncertain significance (1). 1 of the submissions does not count toward it. Last evaluated 2020-01-06.

Conditions:
Usher syndrome type 1 (USH1). Also called: RETINITIS PIGMENTOSA AND CONGENITAL DEAFNESS. Identifiers: Orphanet 231169, Orphanet 886, MedGen C1568247, MONDO:0010168, OMIM 276900.

Allele frequency attached by ClinVar (database versions not stated): gnomAD exomes below 0.00001.
gnomAD v4.1: 1 of 1,608,076 alleles (0.000062%); highest among the groups gnomAD compares: African/African-American, 0.0013%; no homozygotes.

Submissions (2):

Labcorp Genetics (formerly Invitae), Labcorp
Classification: Uncertain significance. Last evaluated: 2020-01-06. Review status: criteria provided, single submitter. Criteria: Invitae Variant Classification Sherloc (09022015). Collection method: clinical testing. Allele origin: germline.
Comment: This sequence change falls in intron 12 of the CDH23 gene. It does not directly change the encoded amino acid sequence of the CDH23 protein, but it affects a nucleotide within the consensus splice site of the intron. This variant is not present in population databases (ExAC no frequency). This variant has not been reported in the literature in individuals with CDH23-related conditions. Nucleotide substitutions within the consensus splice site are a relatively common cause of aberrant splicing (PMID: 17576681, 9536098). Experimental studies and prediction algorithms are not available or were not evaluated, and the effect of this variant on mRNA splicing is currently unknown. In summary, the available evidence is currently insufficient to determine the role of this variant in disease. Therefore, it has been classified as a Variant of Uncertain Significance.

Natera, Inc.
Classification: Uncertain significance for Usher syndrome type 1. Last evaluated: 2020-08-14. Review status: no assertion criteria provided. Collection method: clinical testing. Allele origin: germline. Not counted in ClinVar's aggregate classification.

Literature cited by the submitters: PubMed 17576681 (cited by Labcorp Genetics (formerly Invitae), Labcorp); PubMed 9536098 (cited by Labcorp Genetics (formerly Invitae), Labcorp).